The following is an entry in ClinVar:

NM_001370259.2(MEN1):c.914G>A (p.Gly305Asp)

Gene: MEN1 (menin 1; minus strand). Cytogenetic location: 11q13.1.
Variant type: single nucleotide variant.
Coding change: c.914G>A on transcript NM_001370259.2 (MANE Select); coding-DNA position 914, G replaced by A.
Protein change: p.Gly305Asp; replaces glycine 305 with aspartic acid.
Molecular consequence: missense variant.
Genome position (GRCh38, 1-based): chr11:64,806,367, C>T on the plus strand (G>A on the coding strand, the complement: MEN1 is on the minus strand). VCF-style: chr11-64806367-C-T. GRCh37 (hg19) VCF-style: chr11-64573839-C-T.
Other names: c.809G>A, p.Gly270Asp (NM_001370262.2, NM_001370263.2); c.914G>A, p.Gly305Asp (NM_130799.3, NM_001370251.2, NM_001370260.2 and 1 more transcripts); c.929G>A, p.Gly310Asp (NM_130800.3, NM_130801.3, NM_130802.3 and 3 more transcripts); short protein forms G305D, G270D, G310D.
Identifiers: ClinVar variation 1506905 (VCV001506905.8), dbSNP rs1592644100, ClinGen allele CA381183460.
Genomic context (GRCh38, chr11:64,806,367, plus strand): 5'-GCCAGGTACATGTAGGGGTAGATGTGTTCATCCCGATAGTAGGTCTTGGCTGAGGCAATG[C>T]CCTGGATGGAGGTGAGGCAGAGGATCCTCAGGGAGGCAGCCCCAGCTGCCCTGCTGGCAC-3'
Protein context (NP_001357188.2, residues 295-315): RPDPLTLYHK[Gly305Asp]IASAKTYYRD

ClinVar aggregate classification (germline): Uncertain significance (1 of 4 stars; one submission).

Conditions:
Multiple endocrine neoplasia, type 1 (MEN1). Also called: MEN I; WERMER SYNDROME; Endocrine adenomatosis multiple; MEN 1; MEA I. Identifiers: Orphanet 652, MedGen C0025267, MeSH D018761, MONDO:0007540, OMIM 131100.

Submission:

Labcorp Genetics (formerly Invitae), Labcorp
Classification: Uncertain significance for Multiple endocrine neoplasia, type 1. Last evaluated: 2026-01-11. Review status: criteria provided, single submitter. Criteria: Invitae Variant Classification Sherloc (09022015). Collection method: clinical testing. Allele origin: germline.
Comment: This sequence change replaces glycine, which is neutral and non-polar, with aspartic acid, which is acidic and polar, at codon 305 of the MEN1 protein (p.Gly305Asp). This variant is not present in population databases (gnomAD no frequency). This missense change has been observed in individual(s) with familial isolated hyperparathyroidism (FIHP) (PMID: 10664521). ClinVar contains an entry for this variant (Variation ID: 1506905). An algorithm developed to predict the effect of missense changes on protein structure and function (PolyPhen-2) suggests that this variant is likely to be tolerated. Experimental studies have shown that this missense change affects MEN1 function (PMID: 21819486). In summary, the available evidence is currently insufficient to determine the role of this variant in disease. Therefore, it has been classified as a Variant of Uncertain Significance.

Literature cited by the submitters: PubMed 10664521; PubMed 21819486.